The following is an entry in ClinVar:

ClinVar aggregate classification (germline): Uncertain significance. Review status: criteria provided, multiple submitters, no conflicts (2 of 4 stars). 7 submissions from 7 submitters: Uncertain significance (5). 2 of the submissions do not count toward it. Last evaluated 2026-06-24.

Conditions:
Bardet-Biedl syndrome 2 (BBS2). Identifiers: Orphanet 110, MedGen C2936863, MONDO:0014432, OMIM 615981.
Retinitis pigmentosa 74 (RP74). Identifiers: Orphanet 791, MedGen C4225281, MONDO:0014692, OMIM 616562.
BBS2-related disorder. Also called: BBS2-related condition; BBS2-related disorders. Identifiers: MedGen CN239228.
Bardet-Biedl syndrome (BBS). Identifiers: Orphanet 110, MedGen C0752166, MONDO:0015229.
Retinal dystrophy. Also called: Inherited retinal dystrophy. Identifiers: Orphanet 71862, MedGen C0854723, MeSH D058499, MONDO:0019118, HP:0000556.

Allele frequency attached by ClinVar (database versions not stated): 1000 Genomes Project below 0.00001; gnomAD 0.00005 and 0.00006; TOPMed 0.00006.
gnomAD v4.1: 113 of 1,613,590 alleles (0.007%); highest among the groups gnomAD compares: Middle Eastern, 0.016%; no homozygotes.

Submissions (7):

PreventionGenetics, part of Exact Sciences
Classification: Uncertain significance for BBS2-related condition. Last evaluated: 2026-06-24. Review status: criteria provided, single submitter. Criteria: ACMG Guidelines, 2015. Collection method: clinical testing. Allele origin: germline.
Comment: The BBS2 c.1543G>A variant is predicted to result in the amino acid substitution p.Gly515Ser. To our knowledge, this variant has not been reported in the literature. This variant is reported in 0.019% of alleles in individuals of Ashkenazi Jewish descent in gnomAD. At this time, the clinical significance of this variant is uncertain due to the absence of conclusive functional and genetic evidence.

Blueprint Genetics
Classification: Uncertain significance. Last evaluated: 2024-02-12. Review status: criteria provided, single submitter. Criteria: ACMG Guidelines, 2015. Collection method: clinical testing. Allele origin: germline.

New York Genome Center
Classification: Uncertain significance for Retinitis pigmentosa 74; Bardet-Biedl syndrome 2. Last evaluated: 2023-08-02. Review status: criteria provided, single submitter. Criteria: NYGC Assertion Criteria 2020. Collection method: clinical testing. Allele origin: germline. Observed: 1 heterozygote.

Fulgent Genetics
Classification: Uncertain significance for Bardet-Biedl syndrome 2; Retinitis pigmentosa 74. Last evaluated: 2022-03-22. Review status: criteria provided, single submitter. Criteria: ACMG Guidelines, 2015. Collection method: clinical testing. Allele origin: unknown.

Labcorp Genetics (formerly Invitae), Labcorp
Classification: Uncertain significance for Bardet-Biedl syndrome. Last evaluated: 2022-03-14. Review status: criteria provided, single submitter. Criteria: Invitae Variant Classification Sherloc (09022015). Collection method: clinical testing. Allele origin: germline.
Comment: This sequence change replaces glycine, which is neutral and non-polar, with serine, which is neutral and polar, at codon 515 of the BBS2 protein (p.Gly515Ser). This variant is present in population databases (rs181107019, gnomAD 0.02%). This variant has not been reported in the literature in individuals affected with BBS2-related conditions. ClinVar contains an entry for this variant (Variation ID: 836536). Algorithms developed to predict the effect of missense changes on protein structure and function output the following: SIFT: "Tolerated"; PolyPhen-2: "Benign"; Align-GVGD: "Class C0". The serine amino acid residue is found in multiple mammalian species, which suggests that this missense change does not adversely affect protein function. Algorithms developed to predict the effect of sequence changes on RNA splicing suggest that this variant may disrupt the consensus splice site. In summary, the available evidence is currently insufficient to determine the role of this variant in disease. Therefore, it has been classified as a Variant of Uncertain Significance.

Institute of Human Genetics, Univ. Regensburg, Univ. Regensburg
Classification: Uncertain significance for Retinal dystrophy. Last evaluated: 2023-01-01. Review status: no assertion criteria provided. Criteria: ACMG Guidelines, 2015. Collection method: clinical testing. Allele origin: germline. Affected: yes. Not counted in ClinVar's aggregate classification.

Natera, Inc.
Classification: Uncertain significance for Bardet-Biedl syndrome type 2. Last evaluated: 2020-01-24. Review status: no assertion criteria provided. Collection method: clinical testing. Allele origin: germline. Not counted in ClinVar's aggregate classification.

NM_031885.5(BBS2):c.1543G>A (p.Gly515Ser)

Gene: BBS2 (Bardet-Biedl syndrome 2; minus strand). Cytogenetic location: 16q13.
Variant type: single nucleotide variant.
Coding change: c.1543G>A on transcript NM_031885.5 (MANE Select); coding-DNA position 1543, G replaced by A.
Protein change: p.Gly515Ser; replaces glycine 515 with serine.
Molecular consequence: missense variant. On other transcripts: non-coding transcript variant (5).
Genome position (GRCh38, 1-based): chr16:56,498,553, C>T on the plus strand (G>A on the coding strand, the complement: BBS2 is on the minus strand). VCF-style: chr16-56498553-C-T. GRCh37 (hg19) VCF-style: chr16-56532465-C-T.
Other names: c.1543G>A, p.Gly515Ser (NM_001377456.1); short protein forms G515S.
Identifiers: ClinVar variation 836536 (VCV000836536.11), dbSNP rs181107019, ClinGen allele CA8065676.